The following is an entry in ClinVar:

NM_025081.3(NYNRIN):c.4718C>T (p.Pro1573Leu)

Gene: NYNRIN (NYN domain and retroviral integrase containing; plus strand). Cytogenetic location: 14q12.
Variant type: single nucleotide variant.
Coding change: c.4718C>T on transcript NM_025081.3 (MANE Select); coding-DNA position 4718, C replaced by T.
Protein change: p.Pro1573Leu; replaces proline 1573 with leucine.
Molecular consequence: missense variant.
Genome position (GRCh38, 1-based): chr14:24,416,467, C>T. VCF-style: chr14-24416467-C-T. GRCh37 (hg19) VCF-style: chr14-24885673-C-T.
Other names: short protein forms P1573L.
Identifiers: ClinVar variation 2517128 (VCV002517128.4), dbSNP rs531468217, ClinGen allele CA7137484.

ClinVar aggregate classification (germline): Uncertain significance. Review status: criteria provided, single submitter (1 of 4 stars). 2 submissions from 2 submitters: Uncertain significance (1). 1 of the submissions does not count toward it. Last evaluated 2023-05-17.

Conditions:
NYNRIN-related disorder. Also called: NYNRIN-related condition.

Allele frequency attached by ClinVar (database versions not stated): gnomAD exomes 0.00001; ExAC 0.00002; gnomAD 0.00005; TOPMed 0.00006; 1000 Genomes Project 30x 0.00016; 1000 Genomes Project 0.00020.
gnomAD v4.1: 30 of 1,613,250 alleles (0.0019%); highest among the groups gnomAD compares: Admixed American, 0.013%; no homozygotes.

Submissions (2):

Ambry Genetics
Classification: Uncertain significance. Last evaluated: 2023-05-17. Review status: criteria provided, single submitter. Criteria: Ambry Variant Classification Scheme 2023. Collection method: clinical testing. Allele origin: germline.

PreventionGenetics, part of Exact Sciences
Classification: Uncertain significance for NYNRIN-related condition. Last evaluated: 2024-02-17. Review status: no assertion criteria provided. Collection method: clinical testing. Allele origin: germline. Not counted in ClinVar's aggregate classification.
Comment: The NYNRIN c.4718C>T variant is predicted to result in the amino acid substitution p.Pro1573Leu. To our knowledge, this variant has not been reported in the literature. This variant is reported in 0.0058% of alleles in individuals of Latino descent in gnomAD, indicating it is rare. This variant is interpreted as uncertain in ClinVar. At this time, the clinical significance of this variant is uncertain due to the absence of conclusive functional and genetic evidence.